The following is an entry in ClinVar:

NM_000388.4(CASR):c.626T>C (p.Val209Ala)

Gene: CASR (calcium sensing receptor; plus strand). Cytogenetic location: 3q21.1.
Variant type: single nucleotide variant.
Coding change: c.626T>C on transcript NM_000388.4 (MANE Select); coding-DNA position 626, T replaced by C.
Protein change: p.Val209Ala; replaces valine 209 with alanine.
Molecular consequence: missense variant.
Genome position (GRCh38, 1-based): chr3:122,261,661, T>C. VCF-style: chr3-122261661-T-C. GRCh37 (hg19) VCF-style: chr3-121980508-T-C.
Other names: c.626T>C, p.Val209Ala (NM_001178065.2); short protein forms V209A.
Identifiers: ClinVar variation 1961328 (VCV001961328.5), dbSNP rs902590226, ClinGen allele CA82738292.
Genomic context (GRCh38, chr3:122,261,661, plus strand): 5'-ATGATGAGCACCAGGCCACTGCCATGGCAGACATCATCGAGTATTTCCGCTGGAACTGGG[T>C]GGGCACAATTGCAGCTGATGACGACTATGGGCGGCCGGGGATTGAGAAATTCCGAGAGGA-3'
Protein context (NP_000379.3, residues 199-219): DIIEYFRWNW[Val209Ala]GTIAADDDYG

ClinVar aggregate classification (germline): Uncertain significance (1 of 4 stars; one submission).

Conditions:
Familial hypocalciuric hypercalcemia (FHH). Also called: Familial benign hypercalcemia. Identifiers: Orphanet 405, MedGen C1809471, MONDO:0018458.
Autosomal dominant hypocalcemia 1 (HYPOC1). Also called: HYPOCALCEMIA, FAMILIAL. Identifiers: MedGen C3715128, MONDO:0011013, OMIM 601198.

Submission:

Labcorp Genetics (formerly Invitae), Labcorp
Classification: Uncertain significance for Familial hypocalciuric hypercalcemia; Autosomal dominant hypocalcemia 1. Last evaluated: 2024-04-30. Review status: criteria provided, single submitter. Criteria: Invitae Variant Classification Sherloc (09022015). Collection method: clinical testing. Allele origin: germline.
Comment: This sequence change replaces valine, which is neutral and non-polar, with alanine, which is neutral and non-polar, at codon 209 of the CASR protein (p.Val209Ala). This variant is not present in population databases (gnomAD no frequency). This variant has not been reported in the literature in individuals affected with CASR-related conditions. ClinVar contains an entry for this variant (Variation ID: 1961328). An algorithm developed to predict the effect of missense changes on protein structure and function (PolyPhen-2) suggests that this variant is likely to be disruptive. In summary, the available evidence is currently insufficient to determine the role of this variant in disease. Therefore, it has been classified as a Variant of Uncertain Significance.